The following is an entry in ClinVar:

ClinVar aggregate classification (germline): Uncertain significance (1 of 4 stars; one submission).

Conditions:
Hypokalemic periodic paralysis, type 1. Also called: HypoPP; Hypokalemic Periodic Paralysis Type 1 (AD). Identifiers: Orphanet 681, MedGen C3714580, MONDO:0042979, OMIM 170400.
Malignant hyperthermia, susceptibility to, 5 (MHS5). Also called: CACNA1S-Related Malignant Hyperthermia Susceptibility. Identifiers: Orphanet 423, MedGen C1866077, MONDO:0011163, OMIM 601887.

Allele frequency attached by ClinVar (database versions not stated): gnomAD exomes below 0.00001.
gnomAD v4.1: 2 of 1,613,870 alleles (0.00012%); highest among the groups gnomAD compares: African/African-American, 0.0013%; no homozygotes.

Submission:

Labcorp Genetics (formerly Invitae), Labcorp
Classification: Uncertain significance for Hypokalemic periodic paralysis, type 1; Malignant hyperthermia, susceptibility to, 5. Last evaluated: 2025-06-09. Review status: criteria provided, single submitter. Criteria: Invitae Variant Classification Sherloc (09022015). Collection method: clinical testing. Allele origin: germline.
Comment: This sequence change falls in intron 3 of the CACNA1S gene. It does not directly change the encoded amino acid sequence of the CACNA1S protein. It affects a nucleotide within the consensus splice site. This variant is present in population databases (no rsID available, gnomAD 0.007%). This variant has not been reported in the literature in individuals affected with CACNA1S-related conditions. ClinVar contains an entry for this variant (Variation ID: 1481625). Variants that disrupt the consensus splice site are a relatively common cause of aberrant splicing (PMID: 17576681, 9536098). Algorithms developed to predict the effect of sequence changes on RNA splicing suggest that this variant is not likely to affect RNA splicing. In summary, the available evidence is currently insufficient to determine the role of this variant in disease. Therefore, it has been classified as a Variant of Uncertain Significance.

Literature cited by the submitters: PubMed 17576681; PubMed 9536098.

NM_000069.3(CACNA1S):c.398+6A>G

Gene: CACNA1S (calcium voltage-gated channel subunit alpha1 S; minus strand). Cytogenetic location: 1q32.1.
Variant type: single nucleotide variant.
Coding change: c.398+6A>G on transcript NM_000069.3 (MANE Select); 6 bases into the intron after coding-DNA position 398, A replaced by G.
Molecular consequence: intron variant.
Genome position (GRCh38, 1-based): chr1:201,093,876, T>C on the plus strand (A>G on the coding strand, the complement: CACNA1S is on the minus strand). VCF-style: chr1-201093876-T-C. GRCh37 (hg19) VCF-style: chr1-201063004-T-C.
Identifiers: ClinVar variation 1481625 (VCV001481625.5), dbSNP rs1187491805, ClinGen allele CA528307861.